The following is an entry in ClinVar:

NM_005045.4(RELN):c.4589-8T>G

Gene: RELN (reelin; minus strand). Cytogenetic location: 7q22.1.
Variant type: single nucleotide variant.
Coding change: c.4589-8T>G on transcript NM_005045.4 (MANE Select); 8 bases into the intron before coding-DNA position 4589, T replaced by G.
Molecular consequence: intron variant.
Genome position (GRCh38, 1-based): chr7:103,566,767, A>C on the plus strand (T>G on the coding strand, the complement: RELN is on the minus strand). VCF-style: chr7-103566767-A-C. GRCh37 (hg19) VCF-style: chr7-103207214-A-C.
Other names: p.?; c.4589-8T>G (NM_173054.3).
Identifiers: ClinVar variation 130122 (VCV000130122.24), dbSNP rs362801, ClinGen allele CA154918.

ClinVar aggregate classification (germline): Benign. Review status: criteria provided, multiple submitters, no conflicts (2 of 4 stars). 7 submissions from 7 submitters: Benign (7). Last evaluated 2026-02-03.

Conditions:
Norman-Roberts syndrome (LIS2). Also called: Lissencephaly 2 (Norman-Roberts type). Identifiers: Orphanet 89844, MedGen C0796089, MONDO:0009760, OMIM 257320.
Familial temporal lobe epilepsy 7. Identifiers: Orphanet 101046, MedGen C4225327, MONDO:0014639, OMIM 616436.

Allele frequency attached by ClinVar (database versions not stated): gnomAD exomes 0.00178 and 0.00449; ExAC 0.00565; gnomAD 0.01775 and 0.01890; ESP Exome Variant Server 0.01945; TOPMed 0.01979; 1000 Genomes Project 0.02057; 1000 Genomes Project 30x 0.02327.
gnomAD v4.1: 5,436 of 1,613,672 alleles (0.34%); highest among the groups gnomAD compares: African/African-American, 6.2%; 138 homozygotes.

Submissions (7):

Labcorp Genetics (formerly Invitae), Labcorp
Classification: Benign for Familial temporal lobe epilepsy 7; Norman-Roberts syndrome. Last evaluated: 2026-02-03. Review status: criteria provided, single submitter. Criteria: Invitae Variant Classification Sherloc (09022015). Collection method: clinical testing. Allele origin: germline.

Mayo Clinic Laboratories, Mayo Clinic
Classification: Benign. Last evaluated: 2018-04-10. Review status: criteria provided, single submitter. Criteria: ACMG Guidelines, 2015. Collection method: clinical testing. Allele origin: germline. Observed: 10 variant alleles.

Illumina Laboratory Services, Illumina
Classification: Benign for Norman-Roberts syndrome. Last evaluated: 2018-01-12. Review status: criteria provided, single submitter. Criteria: ICSL Variant Classification Criteria 13 December 2019. Collection method: clinical testing. Allele origin: germline.
Comment: This variant was observed in the ICSL laboratory as part of a predisposition screen in an ostensibly healthy population. It had not been previously curated by ICSL or reported in the Human Gene Mutation Database (HGMD: prior to June 1st, 2018), and was therefore a candidate for classification through an automated scoring system. Utilizing variant allele frequency, disease prevalence and penetrance estimates, and inheritance mode, an automated score was calculated to assess if this variant is too frequent to cause the disease. Based on the score and internal cut-off values, a variant classified as benign is not then subjected to further curation. The score for this variant resulted in a classification of benign for this disease.

Center for Pediatric Genomic Medicine, Children's Mercy Hospital and Clinics
Classification: Benign. Last evaluated: 2015-06-04. Review status: criteria provided, single submitter. Criteria: ACMG Guidelines, 2015. Collection method: clinical testing. Allele origin: germline.

GeneDx
Classification: Benign. Last evaluated: 2015-03-03. Review status: criteria provided, single submitter. Criteria: GeneDx Variant Classification Process June 2021. Collection method: clinical testing. Allele origin: germline. Affected: yes.

Genetic Services Laboratory, University of Chicago
Classification: Benign for AllHighlyPenetrant. Last evaluated: 2013-08-15. Review status: criteria provided, single submitter. Criteria: ACMG Guidelines, 2007. Collection method: clinical testing. Allele origin: germline. Inheritance: Autosomal recessive inheritance.

Breakthrough Genomics
Classification: Benign. Review status: criteria provided, single submitter. Criteria: ACMG Guidelines, 2015. Collection method: not provided. Allele origin: germline. Inheritance: Autosomal recessive inheritance. Affected: yes.